The following is an entry in ClinVar:

ClinVar aggregate classification (germline): Pathogenic (1 of 4 stars; one submission).

Conditions:
Fanconi anemia (FA). Also called: Fanconi's anemia. Identifiers: Orphanet 84, MedGen C0015625, MeSH D005199, MONDO:0019391.

Allele frequency attached by ClinVar (database versions not stated): ExAC 0.00001.

Submission:

Labcorp Genetics (formerly Invitae), Labcorp
Classification: Pathogenic for Fanconi anemia. Last evaluated: 2023-11-08. Review status: criteria provided, single submitter. Criteria: Invitae Variant Classification Sherloc (09022015). Collection method: clinical testing. Allele origin: germline.
Comment: This sequence change creates a premature translational stop signal (p.Thr716Aspfs*31) in the FANCD2 gene. It is expected to result in an absent or disrupted protein product. Loss-of-function variants in FANCD2 are known to be pathogenic (PMID: 17436244). This variant is present in population databases (rs747469438, gnomAD 0.0009%). This variant has not been reported in the literature in individuals affected with FANCD2-related conditions. For these reasons, this variant has been classified as Pathogenic.

Literature cited by the submitters: PubMed 17436244.

NM_001018115.3(FANCD2):c.2144dup (p.Thr716fs)

Genes: FANCD2 (FA complementation group D2; plus strand), LOC107303338 (3p25 FANCD2 Alu-mediated recombination region; plus strand). Cytogenetic location: 3p25.3.
Variant type: Duplication.
Coding change: c.2144dup on transcript NM_001018115.3 (MANE Select); coding-DNA position 2144, one base duplicated (T; older notation c.2144dupT).
Protein change: p.Thr716fs; shifts the reading frame from threonine 716.
Molecular consequence: frameshift variant.
Genome position (GRCh38, 1-based): chr3:10,064,851, T duplicated. VCF-style (leftmost placement, unchanged base first): chr3-10064850-G-GT. GRCh37 (hg19) VCF-style: chr3-10106534-G-GT.
Other names: c.2144dup, p.Thr716fs (NM_001319984.2, NM_001374254.1, NM_033084.6); c.2033dup, p.Thr679fs (NM_001374253.1); short protein forms T716fs, T679fs.
Identifiers: ClinVar variation 2973505 (VCV002973505.3), dbSNP rs747469438, ClinGen allele CA2249970.
Genomic context (GRCh38, chr3:10,064,850, plus strand): 5'-ATTGCCATAAACCTCCTGCCGCTGCTGTTTTCTCAGGACTTTGCAAAAGATGGGGGTCCG[G>GT]TGACCTCACAGGAATCAGGCCAAAAGTCAGTATAGTTTTTCTTTTCTAAACCTGTTAGTG-3'